The following is an entry in ClinVar:

NM_001172509.2(SATB2):c.823C>T (p.Gln275Ter)

Gene: SATB2 (SATB homeobox 2; minus strand). Cytogenetic location: 2q33.1.
Variant type: single nucleotide variant.
Coding change: c.823C>T on transcript NM_001172509.2 (MANE Select); coding-DNA position 823, C replaced by T.
Protein change: p.Gln275Ter; replaces glutamine 275 with a stop codon.
Molecular consequence: nonsense.
Genome position (GRCh38, 1-based): chr2:199,349,051, G>A on the plus strand (C>T on the coding strand, the complement: SATB2 is on the minus strand). VCF-style: chr2-199349051-G-A. GRCh37 (hg19) VCF-style: chr2-200213774-G-A.
Other names: c.823C>T, p.Gln275Ter (NM_001172517.1, NM_015265.4); short protein forms Q275*.
Identifiers: ClinVar variation 930646 (VCV000930646.3), dbSNP rs1688736712, ClinGen allele CA350388056.
Genomic context (GRCh38, chr2:199,349,051, plus strand): 5'-GGCTCATGATGGGCTGTAATGCGGGCACTTGGTTTCGGATTGGAGTACTGTGGTGAATTT[G>A]GCTGTGAGGAGACTGTTCGTTGGTTTTCCCCAGGGATGCCAGCTGGTTCATATTTGGTAA-3'

ClinVar aggregate classification (germline): Likely pathogenic (1 of 4 stars; one submission).

Conditions:
Chromosome 2q32-q33 deletion syndrome (GLASS). Also called: Glass syndrome; 2q33.1 deletion syndrome. Identifiers: Orphanet 251019, MedGen C2676739, MONDO:0012864, OMIM 612313.

Submission:

Centre for Mendelian Genomics, University Medical Centre Ljubljana
Classification: Likely pathogenic for Chromosome 2q32-q33 deletion syndrome. Last evaluated: 2020-03-15. Review status: criteria provided, single submitter. Criteria: ACMG Guidelines, 2015. Collection method: clinical testing. Allele origin: unknown. Affected: yes.
Comment: This variant was classified as: Likely pathogenic. The following ACMG criteria were applied in classifying this variant: PVS1,PM2.